The following is an entry in ClinVar:

ClinVar aggregate classification (germline): Uncertain significance (1 of 4 stars; one submission).

Submission:

Ambry Genetics
Classification: Uncertain significance. Last evaluated: 2025-06-08. Review status: criteria provided, single submitter. Criteria: Ambry Variant Classification Scheme 2023. Collection method: clinical testing. Allele origin: germline.
Comment: The p.Q25R variant (also known as c.74A>G), located in coding exon 1 of the PALLD gene, results from an A to G substitution at nucleotide position 74. The glutamine at codon 25 is replaced by arginine, an amino acid with highly similar properties. This amino acid position is conserved. In addition, the in silico prediction for this alteration is inconclusive. Based on the available evidence, the clinical significance of this variant remains unclear.

NM_001166108.2(PALLD):c.1965-12957A>G

Gene: PALLD (palladin, cytoskeletal associated protein; plus strand). Cytogenetic location: 4q32.3.
Variant type: single nucleotide variant.
Coding change: c.1965-12957A>G on transcript NM_001166108.2 (MANE Select); 12957 bases into the intron before coding-DNA position 1965, A replaced by G.
Molecular consequence: intron variant. On other transcripts: missense variant (1).
Genome position (GRCh38, 1-based): chr4:168,877,965, A>G. VCF-style: chr4-168877965-A-G. GRCh37 (hg19) VCF-style: chr4-169799116-A-G.
Other names: c.74A>G, p.Gln25Arg (NM_001166110.2); c.1965-12957A>G (NM_016081.4); c.819-12957A>G (NM_001166109.2); c.-157-12957A>G (NM_001367570.1, NM_001367568.1, NM_001367567.1 and 1 more transcripts); short protein forms Q25R.
Identifiers: ClinVar variation 3927572 (VCV003927572.1).